The following is an entry in ClinVar:

ClinVar aggregate classification (germline): Likely benign (1 of 4 stars; one submission).

Allele frequency attached by ClinVar (database versions not stated): 1000 Genomes Project 0.01038; 1000 Genomes Project 30x 0.09478.

Submission:

CeGaT Center for Human Genetics Tuebingen
Classification: Likely benign. Last evaluated: 2022-11-01. Review status: criteria provided, single submitter. Criteria: CeGaT Center For Human Genetics Tuebingen Variant Classification Criteria Version 2. Collection method: clinical testing. Allele origin: germline. Affected: yes. Observed: 1 variant allele.
Comment: OR11H12: BP4, BS2

NM_001013354.1(OR11H12):c.202T>C (p.Trp68Arg)

Gene: OR11H12 (olfactory receptor family 11 subfamily H member 12; plus strand). Cytogenetic location: 14q11.2.
Variant type: single nucleotide variant.
Coding change: c.202T>C on transcript NM_001013354.1 (MANE Select); coding-DNA position 202, T replaced by C.
Protein change: p.Trp68Arg; replaces tryptophan 68 with arginine.
Molecular consequence: missense variant.
Genome position (GRCh38, 1-based): chr14:18,601,318, T>C. VCF-style: chr14-18601318-T-C. GRCh37 (hg19) VCF-style: chr14-19377795-T-C.
Other names: short protein forms W68R.
Identifiers: ClinVar variation 2644024 (VCV002644024.24), dbSNP rs141152619, ClinGen allele CA7071074.